The following is an entry in ClinVar:

NM_015512.5(DNAH1):c.6214C>T (p.Leu2072Phe)

Gene: DNAH1 (dynein axonemal heavy chain 1; plus strand). Cytogenetic location: 3p21.1.
Variant type: single nucleotide variant.
Coding change: c.6214C>T on transcript NM_015512.5 (MANE Select); coding-DNA position 6214, C replaced by T.
Protein change: p.Leu2072Phe; replaces leucine 2072 with phenylalanine.
Molecular consequence: missense variant.
Genome position (GRCh38, 1-based): chr3:52,370,185, C>T. VCF-style: chr3-52370185-C-T. GRCh37 (hg19) VCF-style: chr3-52404201-C-T.
Other names: short protein forms L2072F.
Identifiers: ClinVar variation 478475 (VCV000478475.1), dbSNP rs866023654, ClinGen allele CA74759138.

ClinVar aggregate classification (germline): Uncertain significance (1 of 4 stars; one submission).

Conditions:
Spermatogenic failure 18. Identifiers: MedGen C4539783, MONDO:0054615, OMIM 617576.
Ciliary dyskinesia, primary, 37 (CILD37). Also called: CILIARY DYSKINESIA, PRIMARY, 37, WITH OR WITHOUT SITUS INVERSUS. Identifiers: MedGen C4539798, MONDO:0033204, OMIM 617577.

Allele frequency attached by ClinVar (database versions not stated): gnomAD exomes below 0.00001.
gnomAD v4.1: 2 of 1,614,024 alleles (0.00012%); highest among the groups gnomAD compares: South Asian, 0.0022%; no homozygotes.

Submission:

Labcorp Genetics (formerly Invitae), Labcorp
Classification: Uncertain significance for Ciliary dyskinesia, primary, 37; Spermatogenic failure 18. Last evaluated: 2018-02-15. Review status: criteria provided, single submitter. Criteria: Invitae Variant Classification Sherloc (09022015). Collection method: clinical testing. Allele origin: germline.
Comment: This sequence change replaces leucine with phenylalanine at codon 2072 of the DNAH1 protein (p.Leu2072Phe). The leucine residue is highly conserved and there is a small physicochemical difference between leucine and phenylalanine. This variant is not present in population databases (ExAC no frequency). This variant has not been reported in the literature in individuals with DNAH1-related disease. Algorithms developed to predict the effect of missense changes on protein structure and function do not agree on the potential impact of this missense change (SIFT: "Deleterious"; PolyPhen-2: "Benign"; Align-GVGD: "Class C0"). In summary, the available evidence is currently insufficient to determine the role of this variant in disease. Therefore, it has been classified as a Variant of Uncertain Significance.